The following is an entry in ClinVar:

ClinVar aggregate classification (germline): Benign/Likely benign. Review status: criteria provided, multiple submitters, no conflicts (2 of 4 stars). 13 submissions from 13 submitters: Benign (1); Likely benign (7). 5 of the submissions do not count toward it. Last evaluated 2026-02-01.

Conditions:
Abnormal bleeding. Also called: Bleeding diathesis. Identifiers: MedGen C1458140, HP:0001892.
Thrombocytopenia. Identifiers: MedGen C0040034, MeSH D013921, MONDO:0002049, HP:0001873.
Atypical hemolytic-uremic syndrome with thrombomodulin anomaly. Also called: HEMOLYTIC UREMIC SYNDROME, ATYPICAL, SUSCEPTIBILITY TO, 6; AHUS, SUSCEPTIBILITY TO, 6. Identifiers: MedGen C2752036, MONDO:0013044, OMIM 612926. Disease mechanism: gain of function.
THBD-related disorder. Also called: THBD-related condition.
Thrombomodulin-related bleeding disorder (THPH12). Also called: Thrombophilia due to thrombomodulin defect. Identifiers: Orphanet 436169, MedGen C3280976, MONDO:0013775, OMIM 614486.
Atypical hemolytic-uremic syndrome. Identifiers: Orphanet 2134, MedGen C2931788, MONDO:0016244.

Allele frequency attached by ClinVar (database versions not stated): 1000 Genomes Project 0.00120; 1000 Genomes Project 30x 0.00141; gnomAD exomes 0.00180 and 0.00280; gnomAD 0.00193; TOPMed 0.00201; ExAC 0.00228; ESP Exome Variant Server 0.00239.

Submissions (13):

Labcorp Genetics (formerly Invitae), Labcorp
Classification: Likely benign. Last evaluated: 2026-02-01. Review status: criteria provided, single submitter. Criteria: Invitae Variant Classification Sherloc (09022015). Collection method: clinical testing. Allele origin: germline.

Genomenon, Inc
Classification: Likely benign for Thrombomodulin-related bleeding disorder. Last evaluated: 2025-09-22. Review status: criteria provided, single submitter. Criteria: Genomenon Sequence Variant Interpretation Standards - Updated. Collection method: curation. Allele origin: germline. Affected: yes.
Comment: THBD p.Pro501Leu (c.1502C>T) is a missense variant that changes the amino acid at residue 501 from Proline to Leucine. This variant has been observed in at least one proband affected with thrombomodulin-related bleeding disorder (PMID:32935436). Functional studies have been reported; however, the significance of the findings remain unclear (PMID:32935436). In silico models agree that this variant is not damaging. This variant’s allele frequency in gnomAD is greater than expected for this disorder. In conclusion, we classify THBD p.Pro501Leu (c.1502C>T) as a likely benign variant.

Mayo Clinic Laboratories, Mayo Clinic
Classification: Likely benign. Last evaluated: 2025-08-08. Review status: criteria provided, single submitter. Criteria: ACMG Guidelines, 2015. Collection method: clinical testing. Allele origin: germline. Observed: 13 variant alleles.
Comment: BS1, BP4

CeGaT Center for Human Genetics Tuebingen
Classification: Likely benign. Last evaluated: 2025-02-01. Review status: criteria provided, single submitter. Criteria: CeGaT Center For Human Genetics Tuebingen Variant Classification Criteria Version 2. Collection method: clinical testing. Allele origin: germline. Affected: yes. Observed: 2 variant alleles.
Comment: THBD: BP4, BS1

Blueprint Genetics
Classification: Likely benign. Last evaluated: 2024-11-18. Review status: criteria provided, single submitter. Criteria: ACMG Guidelines, 2015. Collection method: clinical testing. Allele origin: germline.

Women's Health and Genetics/Laboratory Corporation of America, LabCorp
Classification: Likely benign. Last evaluated: 2024-02-06. Review status: criteria provided, single submitter. Criteria: LabCorp Variant Classification Summary - May 2015. Collection method: clinical testing. Allele origin: germline.

Genome Diagnostics Laboratory, The Hospital for Sick Children
Classification: Likely benign for Atypical hemolytic-uremic syndrome. Last evaluated: 2019-06-01. Review status: criteria provided, single submitter. Criteria: ACMG Guidelines, 2015. Collection method: clinical testing. Allele origin: germline.

Illumina Laboratory Services, Illumina
Classification: Benign for Atypical hemolytic-uremic syndrome with thrombomodulin anomaly. Last evaluated: 2018-03-06. Review status: criteria provided, single submitter. Criteria: ICSL Variant Classification Criteria 13 December 2019. Collection method: clinical testing. Allele origin: germline.
Comment: This variant was observed in the ICSL laboratory as part of a predisposition screen in an ostensibly healthy population. It had not been previously curated by ICSL or reported in the Human Gene Mutation Database (HGMD: prior to June 1st, 2018), and was therefore a candidate for classification through an automated scoring system. Utilizing variant allele frequency, disease prevalence and penetrance estimates, and inheritance mode, an automated score was calculated to assess if this variant is too frequent to cause the disease. Based on the score and internal cut-off values, a variant classified as benign is not then subjected to further curation. The score for this variant resulted in a classification of benign for this disease.

PreventionGenetics, part of Exact Sciences
Classification: Likely benign for THBD-related condition. Last evaluated: 2023-03-04. Review status: no assertion criteria provided. Collection method: clinical testing. Allele origin: germline. Not counted in ClinVar's aggregate classification.
Comment: This variant is classified as likely benign based on ACMG/AMP sequence variant interpretation guidelines (Richards et al. 2015 PMID: 25741868, with internal and published modifications).

Birmingham Platelet Group; University of Birmingham
Classification: Uncertain significance for Thrombocytopenia; Abnormal bleeding. Last evaluated: 2020-05-01. Review status: no assertion criteria provided. Collection method: research. Allele origin: germline. Affected: yes. Not counted in ClinVar's aggregate classification.

Clinical Genetics DNA and cytogenetics Diagnostics Lab, Erasmus MC, Erasmus Medical Center
Classification: Uncertain significance. Review status: no assertion criteria provided. Collection method: clinical testing. Allele origin: germline. Affected: yes. Study: VKGL Data-share Consensus. Not counted in ClinVar's aggregate classification.

ISTH-SSC Genomics in Thrombosis and Hemostasis, KU Leuven, Center for Molecular and Vascular Biology
Classification: Uncertain significance for Thrombomodulin-related bleeding disorder. Review status: no assertion criteria provided. Collection method: clinical testing. Allele origin: unknown. Affected: yes. Not counted in ClinVar's aggregate classification.
Comment: Submitted to GoldVariant by Prof Kathleen Freson from Center for Molecular and Vascular Biology, Leuven, Belgium

Joint Genome Diagnostic Labs from Nijmegen and Maastricht, Radboudumc and MUMC+
Classification: Uncertain significance. Review status: no assertion criteria provided. Collection method: clinical testing. Allele origin: germline. Affected: yes. Study: VKGL Data-share Consensus. Not counted in ClinVar's aggregate classification.

Literature cited by the submitters: PubMed 32935436 (cited by Genomenon, Inc and Mayo Clinic Laboratories, Mayo Clinic); PubMed 10102456 (cited by Mayo Clinic Laboratories, Mayo Clinic); PubMed 11552992 (cited by Mayo Clinic Laboratories, Mayo Clinic); PubMed 11986219 (cited by Mayo Clinic Laboratories, Mayo Clinic); PubMed 12431475 (cited by Mayo Clinic Laboratories, Mayo Clinic); PubMed 15842356 (cited by Mayo Clinic Laboratories, Mayo Clinic); PubMed 19625716 (cited by Mayo Clinic Laboratories, Mayo Clinic); PubMed 20513133 (cited by Mayo Clinic Laboratories, Mayo Clinic); PubMed 20595690 (cited by Mayo Clinic Laboratories, Mayo Clinic); PubMed 24029428 (cited by Mayo Clinic Laboratories, Mayo Clinic); PubMed 24118826 (cited by Mayo Clinic Laboratories, Mayo Clinic); PubMed 27904864 (cited by Mayo Clinic Laboratories, Mayo Clinic); PubMed 32890900 (cited by Mayo Clinic Laboratories, Mayo Clinic); PubMed 37744338 (cited by Mayo Clinic Laboratories, Mayo Clinic).

NM_000361.3(THBD):c.1502C>T (p.Pro501Leu)

Gene: THBD (thrombomodulin; minus strand). Cytogenetic location: 20p11.21.
Variant type: single nucleotide variant.
Coding change: c.1502C>T on transcript NM_000361.3 (MANE Select); coding-DNA position 1502, C replaced by T.
Protein change: p.Pro501Leu; replaces proline 501 with leucine.
Molecular consequence: missense variant.
Genome position (GRCh38, 1-based): chr20:23,048,003, G>A on the plus strand (C>T on the coding strand, the complement: THBD is on the minus strand). VCF-style: chr20-23048003-G-A. GRCh37 (hg19) VCF-style: chr20-23028640-G-A.
Other names: short protein forms P501L.
Identifiers: ClinVar variation 337882 (VCV000337882.58), dbSNP rs1800579, ClinGen allele CA9787545.